The following is an entry in ClinVar:

ClinVar aggregate classification (germline): Pathogenic. Review status: criteria provided, multiple submitters, no conflicts (2 of 4 stars). 6 submissions from 5 submitters: Pathogenic (2). 4 of the submissions do not count toward it. Last evaluated 2024-11-27.

Conditions:
Hypokalemic periodic paralysis, type 1. Also called: HypoPP; Hypokalemic Periodic Paralysis Type 1 (AD). Identifiers: Orphanet 681, MedGen C3714580, MONDO:0042979, OMIM 170400.
Hypokalemic periodic paralysis, type 2 (HOKPP2). Identifiers: Orphanet 681, MedGen C2750061, MONDO:0013234, OMIM 613345.
Hyperkalemic periodic paralysis. Also called: Gamstorp disease; Familial hyperkalemic periodic paralysis. Identifiers: Orphanet 682, MedGen C0238357, MONDO:0008224, OMIM 170500, HP:0007215.

Submissions (6):

Labcorp Genetics (formerly Invitae), Labcorp
Classification: Pathogenic for Hyperkalemic periodic paralysis. Last evaluated: 2024-11-27. Review status: criteria provided, single submitter. Criteria: Invitae Variant Classification Sherloc (09022015). Collection method: clinical testing. Allele origin: germline.
Comment: This sequence change replaces arginine, which is basic and polar, with glycine, which is neutral and non-polar, at codon 672 of the SCN4A protein (p.Arg672Gly). This variant is not present in population databases (gnomAD no frequency). This missense change has been observed in individuals with hypokalemic periodic paralysis (PMID: 10944223, 18162704, 19225109). It has also been observed to segregate with disease in related individuals. ClinVar contains an entry for this variant (Variation ID: 5913). Invitae Evidence Modeling of protein sequence and biophysical properties (such as structural, functional, and spatial information, amino acid conservation, physicochemical variation, residue mobility, and thermodynamic stability) indicates that this missense variant is expected to disrupt SCN4A protein function with a positive predictive value of 95%. Experimental studies have shown that this missense change affects SCN4A function (PMID: 10944223, 11912116, 17330043, 18824591, 20660662). This variant disrupts the p.Arg672 amino acid residue in SCN4A. Other variant(s) that disrupt this residue have been determined to be pathogenic (PMID: 10944223, 11558801, 15482957, 18824591, 23019082). This suggests that this residue is clinically significant, and that variants that disrupt this residue are likely to be disease-causing. For these reasons, this variant has been classified as Pathogenic.

CeGaT Center for Human Genetics Tuebingen
Classification: Pathogenic. Last evaluated: 2024-01-01. Review status: criteria provided, single submitter. Criteria: CeGaT Center For Human Genetics Tuebingen Variant Classification Criteria Version 2. Collection method: clinical testing. Allele origin: germline. Affected: yes. Observed: 3 variant alleles.
Comment: SCN4A: PM1:Strong, PP1:Strong, PM2, PM5, PS4:Moderate, PP3, PS3:Supporting

Department of Neurology and Geriatrics, Kagoshima University Graduate School of Medical and Dental Sciences
Classification: Pathogenic for Hypokalemic periodic paralysis, type 1. Last evaluated: 2022-04-12. Review status: no assertion criteria provided. Collection method: research. Allele origin: germline. Affected: yes. Not counted in ClinVar's aggregate classification.

OMIM
Classification: Pathogenic for HYPOKALEMIC PERIODIC PARALYSIS, TYPE 2. Last evaluated: 2002-04-01. Review status: no assertion criteria provided. Collection method: literature only. Allele origin: germline. Not counted in ClinVar's aggregate classification.

GeneReviews
No classification provided. Condition: Hypokalemic periodic paralysis, type 2. Review status: no classification provided. Collection method: literature only. Allele origin: germline. Not counted in ClinVar's aggregate classification.

GeneReviews
No classification provided. Condition: Hyperkalemic periodic paralysis. Review status: no classification provided. Collection method: literature only. Allele origin: germline. Affected: yes. Not counted in ClinVar's aggregate classification.

Literature cited by the submitters: PubMed 10944223 (cited by 3 submitters); PubMed 18162704 (cited by Labcorp Genetics (formerly Invitae), Labcorp); PubMed 19225109 (cited by Labcorp Genetics (formerly Invitae), Labcorp); PubMed 11912116 (cited by Labcorp Genetics (formerly Invitae), Labcorp and OMIM); PubMed 17330043 (cited by Labcorp Genetics (formerly Invitae), Labcorp); PubMed 18824591 (cited by Labcorp Genetics (formerly Invitae), Labcorp); PubMed 20660662 (cited by Labcorp Genetics (formerly Invitae), Labcorp); PubMed 11558801 (cited by Labcorp Genetics (formerly Invitae), Labcorp); PubMed 15482957 (cited by Labcorp Genetics (formerly Invitae), Labcorp); PubMed 23019082 (cited by Labcorp Genetics (formerly Invitae), Labcorp); NCBI Bookshelf NBK1496 (cited by GeneReviews).

NM_000334.4(SCN4A):c.2014C>G (p.Arg672Gly)

Gene: SCN4A (sodium voltage-gated channel alpha subunit 4; minus strand). Cytogenetic location: 17q23.3.
Variant type: single nucleotide variant.
Coding change: c.2014C>G on transcript NM_000334.4 (MANE Select); coding-DNA position 2014, C replaced by G.
Protein change: p.Arg672Gly; replaces arginine 672 with glycine.
Molecular consequence: missense variant.
Genome position (GRCh38, 1-based): chr17:63,959,270, G>C on the plus strand (C>G on the coding strand, the complement: SCN4A is on the minus strand). VCF-style: chr17-63959270-G-C. GRCh37 (hg19) VCF-style: chr17-62036630-G-C.
Other names: short protein forms R672G.
Identifiers: ClinVar variation 5913 (VCV000005913.55), dbSNP rs80338785, ClinGen allele CA253653.